The following is an entry in ClinVar:

ClinVar aggregate classification (germline): Likely benign. Review status: criteria provided, multiple submitters, no conflicts (2 of 4 stars). 5 submissions from 5 submitters: Likely benign (5). Last evaluated 2025-12-31.

Conditions:
Cardiomyopathy (CMYO). Also called: Cardiomyopathies. Identifiers: Orphanet 167848, MedGen C0878544, MONDO:0004994, HP:0001638. Inheritance: Various modes of inheritance.
Cardiovascular phenotype. Identifiers: MedGen CN230736.
Catecholaminergic polymorphic ventricular tachycardia (CVPT). Also called: Catecholamine-induced polymorphic ventricular tachycardia. Identifiers: Orphanet 3286, MedGen C5574922, MONDO:0017990.
Catecholaminergic polymorphic ventricular tachycardia 1. Also called: VENTRICULAR TACHYCARDIA, STRESS-INDUCED POLYMORPHIC 1; VENTRICULAR TACHYCARDIA, CATECHOLAMINERGIC POLYMORPHIC, 1, WITH OR WITHOUT ATRIAL DYSFUNCTION AND/OR DILATED CARDIOMYOPATHY; RYR2-Related Catecholaminergic Polymorphic Ventricular Tachycardia. Identifiers: Orphanet 3286, MedGen C1631597, MONDO:0011484, OMIM 604772.

Allele frequency attached by ClinVar (database versions not stated): gnomAD 0.00003; gnomAD exomes 0.00003; TOPMed 0.00003; ExAC 0.00008; 1000 Genomes Project 30x 0.00016; 1000 Genomes Project 0.00020.
gnomAD v4.1: 39 of 1,589,282 alleles (0.0025%); highest among the groups gnomAD compares: East Asian, 0.018%; no homozygotes.

Submissions (5):

Labcorp Genetics (formerly Invitae), Labcorp
Classification: Likely benign for Catecholaminergic polymorphic ventricular tachycardia 1. Last evaluated: 2025-12-31. Review status: criteria provided, single submitter. Criteria: Invitae Variant Classification Sherloc (09022015). Collection method: clinical testing. Allele origin: germline.

Blueprint Genetics
Classification: Likely benign. Last evaluated: 2024-11-19. Review status: criteria provided, single submitter. Criteria: ACMG Guidelines, 2015. Collection method: clinical testing. Allele origin: germline.

All of Us Research Program, National Institutes of Health
Classification: Likely benign for Catecholaminergic polymorphic ventricular tachycardia. Last evaluated: 2023-12-18. Review status: criteria provided, single submitter. Criteria: ACMG Guidelines, 2015. Collection method: clinical testing. Allele origin: germline. Inheritance: Autosomal dominant inheritance. Observed: 3 variant alleles, 3 heterozygotes.
Comment: This study involves interpretation of variants in research participants for the purpose of population health screening. Participant phenotype was not available at the time of variant classification. Additional details can be found in publication PMID: 35346344, PMCID: PMC8962531

Ambry Genetics
Classification: Likely benign for Cardiovascular phenotype. Last evaluated: 2019-07-12. Review status: criteria provided, single submitter. Criteria: Ambry Variant Classification Scheme 2023. Collection method: clinical testing. Allele origin: germline.

Color Diagnostics, LLC DBA Color Health
Classification: Likely benign for Cardiomyopathy. Last evaluated: 2018-11-30. Review status: criteria provided, single submitter. Criteria: ACMG Guidelines, 2015. Collection method: clinical testing. Allele origin: germline.

NM_001035.3(RYR2):c.9189C>T (p.Asn3063=)

Gene: RYR2 (ryanodine receptor 2; plus strand). Cytogenetic location: 1q43.
Variant type: single nucleotide variant.
Coding change: c.9189C>T on transcript NM_001035.3 (MANE Select); coding-DNA position 9189, C replaced by T.
Protein change: p.Asn3063=; no amino-acid change (asparagine 3063 retained).
Molecular consequence: synonymous variant.
Genome position (GRCh38, 1-based): chr1:237,700,289, C>T. VCF-style: chr1-237700289-C-T. GRCh37 (hg19) VCF-style: chr1-237863589-C-T.
Identifiers: ClinVar variation 707315 (VCV000707315.18), dbSNP rs531651646, ClinGen allele CA087844.